The following is an entry in ClinVar:

ClinVar aggregate classification (germline): Uncertain significance (1 of 4 stars; one submission).

Conditions:
Gastrointestinal stromal tumor. Also called: Gastrointestinal stroma tumor; Gastrointestinal stromal tumor, somatic. Identifiers: Orphanet 44890, MedGen C0238198, MeSH D046152, MONDO:0011719, OMIM 606764, HP:0100723.

Submission:

Labcorp Genetics (formerly Invitae), Labcorp
Classification: Uncertain significance for Gastrointestinal stromal tumor. Last evaluated: 2023-12-07. Review status: criteria provided, single submitter. Criteria: Invitae Variant Classification Sherloc (09022015). Collection method: clinical testing. Allele origin: germline.
Comment: This sequence change falls in intron 19 of the KIT gene. It does not directly change the encoded amino acid sequence of the KIT protein. It affects a nucleotide within the consensus splice site. This variant is not present in population databases (gnomAD no frequency). This variant has not been reported in the literature in individuals affected with KIT-related conditions. ClinVar contains an entry for this variant (Variation ID: 1486378). Variants that disrupt the consensus splice site are a relatively common cause of aberrant splicing (PMID: 17576681, 9536098). Algorithms developed to predict the effect of sequence changes on RNA splicing suggest that this variant is not likely to affect RNA splicing. In summary, the available evidence is currently insufficient to determine the role of this variant in disease. Therefore, it has been classified as a Variant of Uncertain Significance.

Literature cited by the submitters: PubMed 17576681; PubMed 9536098.

NM_000222.3(KIT):c.2696+6A>C

Gene: KIT (KIT proto-oncogene, receptor tyrosine kinase; plus strand). Cytogenetic location: 4q12.
Variant type: single nucleotide variant.
Coding change: c.2696+6A>C on transcript NM_000222.3 (MANE Select); 6 bases into the intron after coding-DNA position 2696, A replaced by C.
Molecular consequence: intron variant.
Genome position (GRCh38, 1-based): chr4:54,736,826, A>C. VCF-style: chr4-54736826-A-C. GRCh37 (hg19) VCF-style: chr4-55602992-A-C.
Other names: c.2699+6A>C (NM_001385284.1); c.2696+6A>C (NM_001385290.1); c.2687+6A>C (NM_001385288.1); c.2684+6A>C (NM_001385292.1, NM_001093772.2); c.2693+6A>C (NM_001385285.1); c.2681+6A>C (NM_001385286.1).
Identifiers: ClinVar variation 1486378 (VCV001486378.6), dbSNP rs2109812781, ClinGen allele CA2573138302.